The following is an entry in ClinVar:

ClinVar aggregate classification (germline): Pathogenic (1 of 4 stars; one submission).

Conditions:
Hereditary cancer-predisposing syndrome. Also called: Tumor predisposition; Neoplastic Syndromes, Hereditary; Hereditary Cancer Syndrome; Hereditary neoplastic syndrome. Identifiers: Orphanet 140162, MedGen C0027672, MeSH D009386, MONDO:0015356.

Submission:

Ambry Genetics
Classification: Pathogenic for Hereditary cancer-predisposing syndrome. Last evaluated: 2017-09-26. Review status: criteria provided, single submitter. Criteria: Ambry Variant Classification Scheme 2023. Collection method: clinical testing. Allele origin: germline.
Comment: The p.E378* pathogenic mutation (also known as c.1132G>T), located in coding exon 7 of the MEN1 gene, results from a G to T substitution at nucleotide position 1132. This changes the amino acid from a glutamic acid to a stop codon within coding exon 7. This alteration is expected to result in loss of function by premature protein truncation or nonsense-mediated mRNA decay. As such, this alteration is interpreted as a disease-causing mutation.

NM_001370259.2(MEN1):c.1132G>T (p.Glu378Ter)

Gene: MEN1 (menin 1; minus strand). Cytogenetic location: 11q13.1.
Variant type: single nucleotide variant.
Coding change: c.1132G>T on transcript NM_001370259.2 (MANE Select); coding-DNA position 1132, G replaced by T.
Protein change: p.Glu378Ter; replaces glutamic acid 378 with a stop codon.
Molecular consequence: nonsense.
Genome position (GRCh38, 1-based): chr11:64,805,688, C>A on the plus strand (G>T on the coding strand, the complement: MEN1 is on the minus strand). VCF-style: chr11-64805688-C-A. GRCh37 (hg19) VCF-style: chr11-64573160-C-A.
Other names: c.1147G>T, p.Glu383Ter (NM_000244.4, NM_001407145.1, NM_130800.3 and 4 more transcripts); c.1258G>T, p.Glu420Ter (NM_001370251.2, NM_001407142.1, NM_001407143.1 and 1 more transcripts); c.1132G>T, p.Glu378Ter (NM_001370260.2, NM_001370261.2, NM_001407146.1 and 3 more transcripts); c.1027G>T, p.Glu343Ter (NM_001370262.2, NM_001370263.2, NM_001407148.1 and 1 more transcripts); c.1273G>T, p.Glu425Ter (NM_001407150.1); c.1153G>T, p.Glu385Ter (NM_001407151.1); short protein forms E420*, E425*, E378*, E343*, E383*, E385*.
Identifiers: ClinVar variation 1728895 (VCV001728895.2), dbSNP rs2497157870, ClinGen allele CA381182378.